The following is an entry in ClinVar:

ClinVar aggregate classification (germline): Conflicting classifications of pathogenicity. Review status: criteria provided, conflicting classifications (1 of 4 stars). 3 submissions from 3 submitters: Uncertain significance (2); Benign (1). Last evaluated 2026-01-05.

Conditions:
Hypogonadotropic hypogonadism 5 with or without anosmia (KAL5). Also called: HYPOGONADOTROPIC HYPOGONADISM 5 WITH ANOSMIA; HYPOGONADOTROPHIC HYPOGONADISM 5 WITHOUT ANOSMIA; CHD7-Related GnRH Deficiency (Kallmann Syndrome 5). Identifiers: Orphanet 478, MedGen C3552553, MONDO:0012880, OMIM 612370. Disease mechanism: loss of function.
CHARGE syndrome (CHARGE). Also called: Coloboma, heart anomaly, choanal atresia, retardation, genital and ear anomalies; CHARGE association; Hall-Hittner syndrome; Hittner Hirsch Kreh syndrome; CHARGE ASSOCIATION--COLOBOMA, HEART ANOMALY, CHOANAL ATRESIA, RETARDATION, GENITAL AND EAR ANOMALIES. Identifiers: Orphanet 138, MedGen C0265354, MONDO:0008965.
Inborn genetic diseases. Identifiers: MedGen C0950123, MeSH D030342.

Allele frequency attached by ClinVar (database versions not stated): ExAC 0.00001; gnomAD exomes 0.00001; gnomAD 0.00005; TOPMed 0.00009.
gnomAD v4.1: 15 of 1,613,848 alleles (0.00093%); highest among the groups gnomAD compares: Admixed American, 0.015%; no homozygotes.

Submissions (3):

Labcorp Genetics (formerly Invitae), Labcorp
Classification: Benign for CHARGE syndrome. Last evaluated: 2026-01-05. Review status: criteria provided, single submitter. Criteria: Invitae Variant Classification Sherloc (09022015). Collection method: clinical testing. Allele origin: germline.

Ambry Genetics
Classification: Uncertain significance for Inborn genetic diseases. Last evaluated: 2025-02-13. Review status: criteria provided, single submitter. Criteria: Ambry Variant Classification Scheme 2023. Collection method: clinical testing. Allele origin: germline.
Comment: The p.A1236T variant (also known as c.3706G>A), located in coding exon 14 of the CHD7 gene, results from a G to A substitution at nucleotide position 3706. The alanine at codon 1236 is replaced by threonine, an amino acid with similar properties. This amino acid position is conserved. In addition, this alteration is predicted to be tolerated by in silico analysis. Based on the available evidence, the clinical significance of this variant remains unclear.

Fulgent Genetics
Classification: Uncertain significance for CHD7-related CHARGE syndrome; Hypogonadotropic hypogonadism 5 with or without anosmia. Last evaluated: 2024-01-20. Review status: criteria provided, single submitter. Criteria: ACMG Guidelines, 2015. Collection method: clinical testing. Allele origin: germline.

NM_017780.4(CHD7):c.3706G>A (p.Ala1236Thr)

Gene: CHD7 (chromodomain helicase DNA binding protein 7; plus strand). Cytogenetic location: 8q12.2.
Variant type: single nucleotide variant.
Coding change: c.3706G>A on transcript NM_017780.4 (MANE Select); coding-DNA position 3706, G replaced by A.
Protein change: p.Ala1236Thr; replaces alanine 1236 with threonine.
Molecular consequence: missense variant. On other transcripts: intron variant (1).
Genome position (GRCh38, 1-based): chr8:60,830,505, G>A. VCF-style: chr8-60830505-G-A. GRCh37 (hg19) VCF-style: chr8-61743064-G-A.
Other names: c.3706G>A (NM_017780.3); c.1717-31724G>A (NM_001316690.1); short protein forms A1236T.
Identifiers: ClinVar variation 1492570 (VCV001492570.12), dbSNP rs771781756, ClinGen allele CA4760000.